The following is an entry in ClinVar:

Conditions:
Complex neurodevelopmental disorder. Identifiers: Orphanet 528084, MedGen C5568766, MONDO:0100038.

Submission:

Channelopathy-Associated Epilepsy Research Center
No classification provided (evidence only). Condition: Complex neurodevelopmental disorder. Review status: no classification provided. Collection method: literature only. Allele origin: not applicable. Functional consequence: Moderate hyperpolarizing shift of voltage dependence of activation, Normal slope of activation, Moderate increase in persistent current, Mild slowing of fast inactivation, Normal peak current, Overall mixed or unclear functional effect not able to be clearly categorized as Gain- or Loss-of-Function.
ClinVar note: "not provided" was previously submitted as the classification for the variant. However, the classification appeared to be based only on an observation of functional data so it was converted to no classification on 2025-07-30.

Literature cited by the submitters: PubMed 31402610.

NM_001330260.2(SCN8A):c.417G>C (p.Met139Ile)

Gene: SCN8A (sodium voltage-gated channel alpha subunit 8; plus strand). Cytogenetic location: 12q13.13.
Variant type: single nucleotide variant.
Coding change: c.417G>C on transcript NM_001330260.2 (MANE Select); coding-DNA position 417, G replaced by C.
Protein change: p.Met139Ile; replaces methionine 139 with isoleucine.
Molecular consequence: missense variant.
Genome position (GRCh38, 1-based): chr12:51,686,389, G>C. VCF-style: chr12-51686389-G-C. GRCh37 (hg19) VCF-style: chr12-52080173-G-C.
Other names: c.417G>C, p.Met139Ile (NM_014191.4, NM_001177984.3, NM_001369788.1); c.417G>C (NM_014191.3); short protein forms M139I.
Identifiers: ClinVar variation 3067143 (VCV003067143.2), dbSNP rs1565886685, ClinGen allele CA385221602.
Genomic context (GRCh38, chr12:51,686,389, plus strand): 5'-CAGGCCAGATTTTAATATTGCCCCTTGACTCTTCTCTACAGTATTTAGCATGATCATTAT[G>C]TGCACTATTTTGACCAACTGTGTATTCATGACTTTTAGTAACCCTCCTGACTGGTCGAAG-3'
Protein context (NP_001317189.1, residues 129-149): LIHSVFSMII[Met139Ile]CTILTNCVFM